The following is an entry in ClinVar:

NM_018671.5(UNC45A):c.1275A>G (p.Pro425=)

Gene: UNC45A (unc-45 myosin chaperone A; plus strand). Cytogenetic location: 15q26.1.
Variant type: single nucleotide variant.
Coding change: c.1275A>G on transcript NM_018671.5 (MANE Select); coding-DNA position 1275, A replaced by G.
Protein change: p.Pro425=; no amino-acid change (proline 425 retained).
Molecular consequence: synonymous variant.
Genome position (GRCh38, 1-based): chr15:90,946,689, A>G. VCF-style: chr15-90946689-A-G. GRCh37 (hg19) VCF-style: chr15-91489919-A-G.
Other names: p.Pro425=; c.1230A>G, p.Pro410= (NM_001039675.2, NM_001323621.2); c.1275A>G, p.Pro425= (NM_001323619.1); c.840A>G, p.Pro280= (NM_001323620.2).
Identifiers: ClinVar variation 1170671 (VCV001170671.13), dbSNP rs12911432, ClinGen allele CA7742844.

ClinVar aggregate classification (germline): Benign. Review status: criteria provided, multiple submitters, no conflicts (2 of 4 stars). 4 submissions from 4 submitters: Benign (3). 1 of the submissions does not count toward it. Last evaluated 2026-02-04.

Conditions:
UNC45A-related disorder. Also called: UNC45A-related condition.

Allele frequency attached by ClinVar (database versions not stated): TOPMed 0.04750; gnomAD 0.05246 and 0.05522; 1000 Genomes Project 30x 0.05387; 1000 Genomes Project 0.05471; ESP Exome Variant Server 0.05765; gnomAD exomes 0.07034 and 0.07415; ExAC 0.07300.
gnomAD v4.1: 116,571 of 1,612,592 alleles (7.2%); highest among the groups gnomAD compares: South Asian, 16%; 5,063 homozygotes.

Submissions (4):

Labcorp Genetics (formerly Invitae), Labcorp
Classification: Benign. Last evaluated: 2026-02-04. Review status: criteria provided, single submitter. Criteria: Invitae Variant Classification Sherloc (09022015). Collection method: clinical testing. Allele origin: germline.

Mayo Clinic Laboratories, Mayo Clinic
Classification: Benign. Last evaluated: 2024-02-17. Review status: criteria provided, single submitter. Criteria: ACMG Guidelines, 2015. Collection method: clinical testing. Allele origin: germline. Observed: 7 variant alleles.

Breakthrough Genomics
Classification: Benign. Review status: criteria provided, single submitter. Criteria: ACMG Guidelines, 2015. Collection method: not provided. Allele origin: germline. Inheritance: Autosomal recessive inheritance. Affected: yes.

PreventionGenetics, part of Exact Sciences
Classification: Benign for UNC45A-related condition. Last evaluated: 2024-01-28. Review status: no assertion criteria provided. Collection method: clinical testing. Allele origin: germline. Not counted in ClinVar's aggregate classification.
Comment: This variant is classified as benign based on ACMG/AMP sequence variant interpretation guidelines (Richards et al. 2015 PMID: 25741868, with internal and published modifications).